The following is an entry in ClinVar:

NM_000169.3(GLA):c.802-67G>A

Genes: GLA (galactosidase alpha; minus strand), RPL36A-HNRNPH2 (RPL36A-HNRNPH2 readthrough; plus strand). Cytogenetic location: Xq22.1.
Variant type: single nucleotide variant.
Coding change: c.802-67G>A on transcript NM_000169.3 (MANE Select); 67 bases into the intron before coding-DNA position 802, G replaced by A.
Molecular consequence: intron variant.
Genome position (GRCh38, 1-based): chrX:101,398,634, C>T on the plus strand (G>A on the coding strand, the complement: GLA is on the minus strand). VCF-style: chrX-101398634-C-T. GRCh37 (hg19) VCF-style: chrX-100653622-C-T.
Other names: c.300+3177C>T (NM_001199973.2); c.177+6812C>T (NM_001199974.2); c.925-67G>A (NM_001406747.1); c.802-67G>A (NM_001406748.1).
Identifiers: ClinVar variation 4087132 (VCV004087132.2), dbSNP rs782238586.

ClinVar aggregate classification (germline): Likely benign (1 of 4 stars; one submission).

Conditions:
Fabry disease. Also called: ALPHA-GALACTOSIDASE A DEFICIENCY; ANDERSON-FABRY DISEASE; CERAMIDE TRIHEXOSIDASE DEFICIENCY; GLA DEFICIENCY; HEREDITARY DYSTOPIC LIPIDOSIS; Angiokeratoma corporis diffusum. Identifiers: Orphanet 324, MedGen C0002986, MONDO:0010526, OMIM 301500, HP:0001071. Disease mechanism: Fabry disease is due to inactivating mutations in the X-linked GLA gene resulting in deficiency of the enzyme Alpha Galactosidase-A., loss of function.

gnomAD v4.1: 7 of 1,038,233 alleles (0.00067%); highest among the groups gnomAD compares: African/African-American, 0.011%; no homozygotes.

Submission:

Genomenon, Inc
Classification: Likely benign for Fabry disease. Last evaluated: 2026-09-08. Review status: criteria provided, single submitter. Criteria: Genomenon Sequence Variant Interpretation Standards - Updated. Collection method: curation. Allele origin: germline. Affected: no.
Comment: GLA c.802-67G>A is an intronic variant located in intron 5. This variant has been reported in the published literature (PMID:31996269). It is absent or not present at a significant frequency in gnomAD. This variant is not predicted to impact splicing. In conclusion, we classify GLA c.802-67G>A as a likely benign variant.

Literature cited by the submitters: PubMed 31996269.